The following is an entry in ClinVar:

ClinVar aggregate classification (germline): Likely pathogenic (1 of 4 stars; one submission).

Submission:

Quest Diagnostics Nichols Institute San Juan Capistrano
Classification: Likely pathogenic. Last evaluated: 2024-08-12. Review status: criteria provided, single submitter. Criteria: ACMG/ClinGen CNV Guidelines, 2019. Collection method: clinical testing. Allele origin: unknown.
Comment: This loss involves gene NLGN4X (OMIM 300427). Hemizygous sequence and deletion variants of NLGN4X have been associated with X-linked intellectual developmental disorder, which has variable phenotypic features (OMIM 300495; ISCA-24990; Dong 2020, Firth 2009, Grozeva 2015, Jamain 2003, Laumonnier 2004, Lawson-Yuen 2008, Lee 2020, Trost 2022, Yu 2013, Yuen 2017). While female carriers are typically unaffected, splicing and partial deletion variants of NLGN4X have been reported in females with variable phenotypes (Lawson-Yuen 2008, Talebizadeh 2006). There are no similar copy number losses of this region in the general populations of the Database of Genomic Variants. Thus, based on gene content and current medical literature, this copy number variant (CNV) is classified as likely pathogenic. Clinical presentation in a female may be dependent upon X-inactivation status. References: Dong et al., J Med Genet. 2020 Aug;57(8):558-566. PMID: 32005694 Firth et al., Am J Hum Genet. 2009 Apr;84(4):524-33. PMID: 19344873 Grozeva et al., Hum Mutat. 2015 Dec;36(12):1197-204. PMID: 26350204 Jamain et al., Nat Genet. 2003 May;34(1):27-9. PMID: 12669065 Laumonnier et al., Am J Hum Genet. 2004 Mar;74(3):552-7. PMID: 14963808 Lawson-Yuen et al., Eur J Hum Genet. 2008 May;16(5):614-8. PMID: 18231125 Lee et al., Front Pharmacol. 2020 May 14:11:585. PMID: 32477112 Talebizadeh et al., J Med Genet. 2006 May;43(5):e21. PMID: 16648374 Trost et al., Cell. 2022 Nov 10;185(23):4409-4427.e18. PMID: 36368308 Yu et al., Neuron. 2013 Jan 23;77(2):259-73. PMID: 23352163 Yuen et al., Nat Neurosci. 2017 Apr;20(4):602-611. PMID: 28263302

GRCh37/hg19 Xp22.32-22.31(chrX:4793094-6176750)x0

Gene: NLGN4X (neuroligin 4 X-linked; minus strand). Cytogenetic location: Xp22.32-22.31.
Variant type: copy number loss.
Change: copy number 0 of chrX:4,793,094-6,176,750 (1.38 Mb, GRCh37 coordinates, 1-based), cytogenetic band Xp22.32-22.31.
Identifiers: ClinVar variation 4683013 (VCV004683013.1).